The following is an entry in ClinVar:

ClinVar aggregate classification (germline): Benign. Review status: criteria provided, multiple submitters, no conflicts (2 of 4 stars). 9 submissions from 9 submitters: Benign (9). Last evaluated 2026-02-04.

Conditions:
Fraser syndrome 1 (FRASRS1). Also called: CRYPTOPHTHALMOS WITH OTHER MALFORMATIONS. Identifiers: Orphanet 2052, MedGen C4551480, MONDO:0054737, OMIM 219000.

Allele frequency attached by ClinVar (database versions not stated): gnomAD exomes 0.31132; ExAC 0.31689; 1000 Genomes Project 0.32208; 1000 Genomes Project 30x 0.32776; gnomAD 0.37411 and 0.38360; TOPMed 0.37822; ESP Exome Variant Server 0.39623.
gnomAD v4.1: 561,956 of 1,613,504 alleles (35%); highest among the groups gnomAD compares: African/African-American, 49%; 100,913 homozygotes.

Submissions (9):

Labcorp Genetics (formerly Invitae), Labcorp
Classification: Benign. Last evaluated: 2026-02-04. Review status: criteria provided, single submitter. Criteria: Invitae Variant Classification Sherloc (09022015). Collection method: clinical testing. Allele origin: germline.

Blueprint Genetics
Classification: Benign. Last evaluated: 2024-11-26. Review status: criteria provided, single submitter. Criteria: ACMG Guidelines, 2015. Collection method: clinical testing. Allele origin: germline.

Mayo Clinic Laboratories, Mayo Clinic
Classification: Benign. Last evaluated: 2022-03-09. Review status: criteria provided, single submitter. Criteria: ACMG Guidelines, 2015. Collection method: clinical testing. Allele origin: germline. Observed: 48 variant alleles.

Genome-Nilou Lab
Classification: Benign for Fraser syndrome 1. Last evaluated: 2021-08-10. Review status: criteria provided, single submitter. Criteria: ACMG Guidelines, 2015. Collection method: clinical testing. Allele origin: germline. Affected: no.

Illumina Laboratory Services, Illumina
Classification: Benign for Fraser syndrome 1. Last evaluated: 2018-01-12. Review status: criteria provided, single submitter. Criteria: ICSL Variant Classification Criteria 13 December 2019. Collection method: clinical testing. Allele origin: germline.
Comment: This variant was observed in the ICSL laboratory as part of a predisposition screen in an ostensibly healthy population. It had not been previously curated by ICSL or reported in the Human Gene Mutation Database (HGMD: prior to June 1st, 2018), and was therefore a candidate for classification through an automated scoring system. Utilizing variant allele frequency, disease prevalence and penetrance estimates, and inheritance mode, an automated score was calculated to assess if this variant is too frequent to cause the disease. Based on the score and internal cut-off values, a variant classified as benign is not then subjected to further curation. The score for this variant resulted in a classification of benign for this disease.

Eurofins Ntd Llc (ga)
Classification: Benign. Last evaluated: 2016-11-09. Review status: criteria provided, single submitter. Criteria: EGL Classification Definitions 2015. Collection method: clinical testing. Allele origin: germline. Observed: 2 variant alleles, 1 heterozygote, 1 homozygote.

GeneDx
Classification: Benign. Last evaluated: 2015-03-03. Review status: criteria provided, single submitter. Criteria: GeneDx Variant Classification Process June 2021. Collection method: clinical testing. Allele origin: germline. Affected: yes.

Breakthrough Genomics
Classification: Benign. Review status: criteria provided, single submitter. Criteria: ACMG Guidelines, 2015. Collection method: not provided. Allele origin: germline. Inheritance: Autosomal recessive inheritance. Affected: yes.

PreventionGenetics, part of Exact Sciences
Classification: Benign. Review status: criteria provided, single submitter. Criteria: ACMG Guidelines, 2015. Collection method: clinical testing. Allele origin: germline.

NM_025074.7(FRAS1):c.7110C>T (p.His2370=)

Gene: FRAS1 (Fraser extracellular matrix complex subunit 1; plus strand). Cytogenetic location: 4q21.21.
Variant type: single nucleotide variant.
Coding change: c.7110C>T on transcript NM_025074.7 (MANE Select); coding-DNA position 7110, C replaced by T.
Protein change: p.His2370=; no amino-acid change (histidine 2370 retained).
Molecular consequence: synonymous variant.
Genome position (GRCh38, 1-based): chr4:78,466,288, C>T. VCF-style: chr4-78466288-C-T. GRCh37 (hg19) VCF-style: chr4-79387442-C-T.
Other names: p.His2370=.
Identifiers: ClinVar variation 261812 (VCV000261812.23), dbSNP rs7660664, ClinGen allele CA2977998.
Genomic context (GRCh38, chr4:78,466,288, plus strand): 5'-CATCGTGCAGCCTCCACGCCATGGCACCATCGAGCGAACCAGCAATGGGCAGCATTTCCA[C>T]CTCACCTCCACCTTCACCATGAAAGATATCTACCAGAACCGGGTCAGCTACAGCCATGAC-3'
Protein context (NP_079350.5, residues 2360-2380): IERTSNGQHF[His2370=]LTSTFTMKDI